The following is an entry in ClinVar:

ClinVar aggregate classification (germline): Uncertain significance. Review status: criteria provided, multiple submitters, no conflicts (2 of 4 stars). 5 submissions from 4 submitters: Uncertain significance (5). Last evaluated 2023-10-23.

Conditions:
Noonan syndrome 4 (NS4). Also called: SOS1-Related Noonan Syndrome; NOONAN SYNDROME WITH PIGMENTED VILLONODULAR SYNOVITIS. Identifiers: Orphanet 648, MedGen C1853120, MONDO:0012547, OMIM 610733.
Fibromatosis, gingival, 1 (GINGF1). Identifiers: Orphanet 2024, MedGen C4551558, MONDO:0007609, OMIM 135300.
RASopathy. Also called: Noonan spectrum disorder; rasopathies. Identifiers: Orphanet 536391, MedGen C5555857, MONDO:0021060.

gnomAD v4.1: 8 of 1,613,668 alleles (0.0005%); highest among the groups gnomAD compares: Admixed American, 0.01%; no homozygotes.

Submissions (5):

GeneDx
Classification: Uncertain significance. Last evaluated: 2023-10-23. Review status: criteria provided, single submitter. Criteria: GeneDx Variant Classification Process June 2021. Collection method: clinical testing. Allele origin: germline. Affected: yes.
Comment: Identified in a postnatal sample sent for Noonan syndrome testing in published literature; clinical information was not provided (Leach et al., 2019); Missense variants in this gene are often considered pathogenic (HGMD); In silico analysis supports that this missense variant does not alter protein structure/function; This variant is associated with the following publications: (PMID: 30050098, 29907801, 20648242, 29493581, 17143282, 21387466, 12628188)

Labcorp Genetics (formerly Invitae), Labcorp
Classification: Uncertain significance for RASopathy. Last evaluated: 2023-07-06. Review status: criteria provided, single submitter. Criteria: Invitae Variant Classification Sherloc (09022015). Collection method: clinical testing. Allele origin: germline.
Comment: In summary, the available evidence is currently insufficient to determine the role of this variant in disease. Therefore, it has been classified as a Variant of Uncertain Significance. Advanced modeling of protein sequence and biophysical properties (such as structural, functional, and spatial information, amino acid conservation, physicochemical variation, residue mobility, and thermodynamic stability) has been performed at Invitae for this missense variant, however the output from this modeling did not meet the statistical confidence thresholds required to predict the impact of this variant on SOS1 protein function. ClinVar contains an entry for this variant (Variation ID: 280820). This missense change has been observed in individual(s) with clinical features of Noonan syndrome (PMID: 29907801). This variant is present in population databases (rs730880218, gnomAD 0.01%). This sequence change replaces threonine, which is neutral and polar, with arginine, which is basic and polar, at codon 451 of the SOS1 protein (p.Thr451Arg).

Women's Health and Genetics/Laboratory Corporation of America, LabCorp
Classification: Uncertain significance. Last evaluated: 2016-12-24. Review status: criteria provided, single submitter. Criteria: LabCorp Variant Classification Summary - May 2015. Collection method: clinical testing. Allele origin: germline.
Comment: Variant summary: The c.1352C>G (p.Thr451Arg) in SOS1 gene is a missense change that involves a mildly conserved nucleotide and 3/4 in silico tools predict deleterious outcome. The variant of interest is located within Pleckstrin homology (PH) domain functional domain that is closely associated with the DH domain and the action of the DH-PH unit gates a reciprocal interaction between Ras and SOS, although the functional impact of this missense change is yet to be studied. The variant is present in the large control population dataset of ExAC at a frequency 0.000008 (1/121314 chrs tested), exclusively in individuals of Latino origin (0.00008; 1/11576 chrs tested). The latter frequency exceeds the estimated maximal expected allele frequency of a pathogenic variant in SOS1 gene (0.00003). The variant is present in a control population dataset of gmomAD exclusively in individuals of Latino origin: 0.000196 (7/35710chrs), suggesting that it may be a rare ethnic-specific functional polymorphism. However, since the data set is still in beta mode, this data was not captured in pbGP. The variant has not, to our knowledge, been identified in patients with NSRD via published reports but was cited as VUS by a reputable database/diagnostic laboratory. At this time there is not sufficient evidence to classify this variant with confidence. Taken together, the variant was classified as VUS until more data becomes available.

Genome-Nilou Lab
Classification: Uncertain significance for Noonan syndrome 4. Review status: criteria provided, single submitter. Criteria: ACMG Guidelines, 2015. Collection method: clinical testing. Allele origin: germline.

Genome-Nilou Lab
Classification: Uncertain significance for Fibromatosis, gingival, 1. Review status: criteria provided, single submitter. Criteria: ACMG Guidelines, 2015. Collection method: clinical testing. Allele origin: germline.

Literature cited by the submitters: PubMed 29907801 (cited by Labcorp Genetics (formerly Invitae), Labcorp).

NM_005633.4(SOS1):c.1352C>G (p.Thr451Arg)

Gene: SOS1 (SOS Ras/Rac guanine nucleotide exchange factor 1; minus strand). Cytogenetic location: 2p22.1.
Variant type: single nucleotide variant.
Coding change: c.1352C>G on transcript NM_005633.4 (MANE Select); coding-DNA position 1352, C replaced by G.
Protein change: p.Thr451Arg; replaces threonine 451 with arginine.
Molecular consequence: missense variant.
Genome position (GRCh38, 1-based): chr2:39,023,076, G>C on the plus strand (C>G on the coding strand, the complement: SOS1 is on the minus strand). VCF-style: chr2-39023076-G-C. GRCh37 (hg19) VCF-style: chr2-39250217-G-C.
Other names: c.1331C>G, p.Thr444Arg (NM_001382394.1); c.1352C>G, p.Thr451Arg (NM_001382395.1); short protein forms T451R, T444R.
Identifiers: ClinVar variation 280820 (VCV000280820.12), dbSNP rs730880218, ClinGen allele CA1624603.